The following is an entry in ClinVar:

NM_001278116.2(L1CAM):c.1978G>A (p.Glu660Lys)

Gene: L1CAM (L1 cell adhesion molecule; minus strand). Cytogenetic location: Xq28.
Variant type: single nucleotide variant.
Coding change: c.1978G>A on transcript NM_001278116.2 (MANE Select); coding-DNA position 1978, G replaced by A.
Protein change: p.Glu660Lys; replaces glutamic acid 660 with lysine.
Molecular consequence: missense variant.
Genome position (GRCh38, 1-based): chrX:153,867,515, C>T on the plus strand (G>A on the coding strand, the complement: L1CAM is on the minus strand). VCF-style: chrX-153867515-C-T. GRCh37 (hg19) VCF-style: chrX-153132970-C-T.
Other names: c.1978G>A, p.Glu660Lys (NM_000425.5, NM_024003.3); c.1963G>A, p.Glu655Lys (NM_001143963.2); c.1978G>A (NM_000425.4); short protein forms E655K, E660K.
Identifiers: ClinVar variation 1176608 (VCV001176608.40), dbSNP rs200688598, ClinGen allele CA10554253.

ClinVar aggregate classification (germline): Conflicting classifications of pathogenicity. Review status: criteria provided, conflicting classifications (1 of 4 stars). 4 submissions from 4 submitters: Uncertain significance (1); Benign (1); Likely benign (2). Last evaluated 2026-03-26.

Conditions:
Spastic paraplegia. Identifiers: MedGen C0037772, HP:0001258.
L1CAM-related disorder. Also called: L1CAM-related condition.

Allele frequency attached by ClinVar (database versions not stated): gnomAD 0.00002; TOPMed 0.00002; gnomAD exomes 0.00003 and 0.00004; ExAC 0.00005.
gnomAD v4.1: 37 of 1,209,974 alleles (0.0031%); highest among the groups gnomAD compares: Non-Finnish European, 0.0038%; no homozygotes.

Submissions (4):

PreventionGenetics, part of Exact Sciences
Classification: Likely benign for L1CAM-related condition. Last evaluated: 2026-03-26. Review status: criteria provided, single submitter. Criteria: ACMG Guidelines, 2015. Collection method: clinical testing. Allele origin: germline.
Comment: This variant is classified as likely benign based on ACMG/AMP sequence variant interpretation guidelines (Richards et al. 2015 PMID: 25741868, with internal and published modifications).

Blueprint Genetics
Classification: Likely benign. Last evaluated: 2024-08-19. Review status: criteria provided, single submitter. Criteria: ACMG Guidelines, 2015. Collection method: clinical testing. Allele origin: germline.

Labcorp Genetics (formerly Invitae), Labcorp
Classification: Benign for Spastic paraplegia. Last evaluated: 2024-03-13. Review status: criteria provided, single submitter. Criteria: Invitae Variant Classification Sherloc (09022015). Collection method: clinical testing. Allele origin: germline.

CeGaT Center for Human Genetics Tuebingen
Classification: Uncertain significance. Last evaluated: 2021-04-01. Review status: criteria provided, single submitter. Criteria: CeGaT Center For Human Genetics Tuebingen Variant Classification Criteria Version 2. Collection method: clinical testing. Allele origin: germline. Affected: yes. Observed: 1 variant allele.